The following is an entry in ClinVar:

NM_003265.3(TLR3):c.2122A>G (p.Ile708Val)

Gene: TLR3 (toll like receptor 3; plus strand). Cytogenetic location: 4q35.1.
Variant type: single nucleotide variant.
Coding change: c.2122A>G on transcript NM_003265.3 (MANE Select); coding-DNA position 2122, A replaced by G.
Protein change: p.Ile708Val; replaces isoleucine 708 with valine.
Molecular consequence: missense variant.
Genome position (GRCh38, 1-based): chr4:186,083,808, A>G. VCF-style: chr4-186083808-A-G. GRCh37 (hg19) VCF-style: chr4-187004962-A-G.
Other names: short protein forms I708V.
Identifiers: ClinVar variation 1976402 (VCV001976402.6), dbSNP rs2150068129, ClinGen allele CA358935086.

ClinVar aggregate classification (germline): Uncertain significance. Review status: criteria provided, multiple submitters, no conflicts (2 of 4 stars). 2 submissions from 2 submitters: Uncertain significance (2). Last evaluated 2025-12-02.

Conditions:
Encephalopathy, acute, infection-induced (herpes-specific), susceptibility to, 1. Also called: Herpes simplex encephalitis, susceptibility to, 1. Identifiers: Orphanet 1930, MedGen C2750180, MONDO:0024563, OMIM 610551.

Allele frequency attached by ClinVar (database versions not stated): gnomAD exomes below 0.00001.

Submissions (2):

Ambry Genetics
Classification: Uncertain significance. Last evaluated: 2025-12-02. Review status: criteria provided, single submitter. Criteria: Ambry Variant Classification Scheme 2023. Collection method: clinical testing. Allele origin: germline.

Labcorp Genetics (formerly Invitae), Labcorp
Classification: Uncertain significance for Encephalopathy, acute, infection-induced (herpes-specific), susceptibility to, 1. Last evaluated: 2023-06-08. Review status: criteria provided, single submitter. Criteria: Invitae Variant Classification Sherloc (09022015). Collection method: clinical testing. Allele origin: germline.
Comment: In summary, the available evidence is currently insufficient to determine the role of this variant in disease. Therefore, it has been classified as a Variant of Uncertain Significance. Algorithms developed to predict the effect of missense changes on protein structure and function output the following: SIFT: "Not Available"; PolyPhen-2: "Benign"; Align-GVGD: "Not Available". The valine amino acid residue is found in multiple mammalian species, which suggests that this missense change does not adversely affect protein function. ClinVar contains an entry for this variant (Variation ID: 1976402). This variant has not been reported in the literature in individuals affected with TLR3-related conditions. This variant is not present in population databases (gnomAD no frequency). This sequence change replaces isoleucine, which is neutral and non-polar, with valine, which is neutral and non-polar, at codon 708 of the TLR3 protein (p.Ile708Val).